The following is an entry in ClinVar:

NM_004183.4(BEST1):c.274C>A (p.Arg92Ser)

Gene: BEST1 (bestrophin 1; plus strand). Cytogenetic location: 11q12.3.
Variant type: single nucleotide variant.
Coding change: c.274C>A on transcript NM_004183.4 (MANE Select); coding-DNA position 274, C replaced by A.
Protein change: p.Arg92Ser; replaces arginine 92 with serine.
Molecular consequence: missense variant. On other transcripts: non-coding transcript variant (1).
Genome position (GRCh38, 1-based): chr11:61,955,744, C>A. VCF-style: chr11-61955744-C-A. GRCh37 (hg19) VCF-style: chr11-61723216-C-A.
Other names: c.94C>A, p.Arg32Ser (NM_001139443.3, NM_001300786.2, NM_001300787.2); c.-45C>A (NM_001363591.3); c.274C>A, p.Arg92Ser (NM_001363592.2); c.-902C>A (NM_001363593.3); short protein forms R92S, R32S.
Identifiers: ClinVar variation 99702 (VCV000099702.10), dbSNP rs281865224, ClinGen allele CA227754.

ClinVar aggregate classification (germline): Pathogenic/Likely pathogenic. Review status: criteria provided, multiple submitters, no conflicts (2 of 4 stars). 3 submissions from 3 submitters: Pathogenic (1); Likely pathogenic (1). 1 of the submissions does not count toward it. Last evaluated 2025-07-30.

Conditions:
Retinal dystrophy. Also called: Inherited retinal dystrophy. Identifiers: Orphanet 71862, MedGen C0854723, MeSH D058499, MONDO:0019118, HP:0000556.

Allele frequency attached by ClinVar (database versions not stated): gnomAD 0.00001.

Submissions (3):

Labcorp Genetics (formerly Invitae), Labcorp
Classification: Likely pathogenic. Last evaluated: 2025-07-30. Review status: criteria provided, single submitter. Criteria: Invitae Variant Classification Sherloc (09022015). Collection method: clinical testing. Allele origin: germline.
Comment: This sequence change replaces arginine, which is basic and polar, with serine, which is neutral and polar, at codon 92 of the BEST1 protein (p.Arg92Ser). This variant is present in population databases (rs281865224, gnomAD 0.007%). This missense change has been observed in individual(s) with autosomal dominant Best vitelliform macular dystrophy (PMID: 10854112). ClinVar contains an entry for this variant (Variation ID: 99702). Invitae Evidence Modeling of protein sequence and biophysical properties (such as structural, functional, and spatial information, amino acid conservation, physicochemical variation, residue mobility, and thermodynamic stability) indicates that this missense variant is expected to disrupt BEST1 protein function with a positive predictive value of 95%. Experimental studies have shown that this missense change affects BEST1 function (PMID: 21878505). This variant disrupts the p.Arg92 amino acid residue in BEST1. Other variant(s) that disrupt this residue have been determined to be pathogenic (PMID: 10394929, 21436265, 30498755). This suggests that this residue is clinically significant, and that variants that disrupt this residue are likely to be disease-causing. In summary, the currently available evidence indicates that the variant is pathogenic, but additional data are needed to prove that conclusively. Therefore, this variant has been classified as Likely Pathogenic.

Institute of Human Genetics, Univ. Regensburg, Univ. Regensburg
Classification: Pathogenic for Retinal dystrophy. Last evaluated: 2019-01-01. Review status: criteria provided, single submitter. Criteria: ACMG Guidelines, 2015. Collection method: clinical testing. Allele origin: germline. Affected: yes.

Retina International
No classification provided. Review status: no classification provided. Collection method: not provided. Allele origin: not provided. Not counted in ClinVar's aggregate classification.

Literature cited by the submitters: PubMed 10854112 (cited by Labcorp Genetics (formerly Invitae), Labcorp and Institute of Human Genetics, Univ. Regensburg, Univ. Regensburg); PubMed 21878505 (cited by Labcorp Genetics (formerly Invitae), Labcorp); PubMed 10394929 (cited by Labcorp Genetics (formerly Invitae), Labcorp); PubMed 21436265 (cited by Labcorp Genetics (formerly Invitae), Labcorp); PubMed 30498755 (cited by Labcorp Genetics (formerly Invitae), Labcorp); PubMed 218785 (cited by Institute of Human Genetics, Univ. Regensburg, Univ. Regensburg).